The following is an entry in ClinVar:

ClinVar aggregate classification (germline): Uncertain significance. Review status: criteria provided, multiple submitters, no conflicts (2 of 4 stars). 3 submissions from 3 submitters: Uncertain significance (3). Last evaluated 2023-04-20.

Conditions:
Inborn genetic diseases. Identifiers: MedGen C0950123, MeSH D030342.
Ectodermal dysplasia 11A, hypohidrotic/hair/tooth type, autosomal dominant. Identifiers: Orphanet 1810, Orphanet 238468, MedGen C3541517, MONDO:0013982, OMIM 614940.
Ectodermal dysplasia 11B, hypohidrotic/hair/tooth type, autosomal recessive. Identifiers: Orphanet 238468, Orphanet 248, MedGen C3539920, MONDO:0013983, OMIM 614941.

Allele frequency attached by ClinVar (database versions not stated): ExAC 0.00002; gnomAD exomes 0.00003; TOPMed 0.00004; gnomAD 0.00005 and 0.00006.
gnomAD v4.1: 39 of 1,613,176 alleles (0.0024%); highest among the groups gnomAD compares: Admixed American, 0.005%; no homozygotes.

Submissions (3):

Ambry Genetics
Classification: Uncertain significance for Inborn genetic diseases. Last evaluated: 2023-04-20. Review status: criteria provided, single submitter. Criteria: Ambry Variant Classification Scheme 2023. Collection method: clinical testing. Allele origin: germline.

Revvity Omics, Revvity
Classification: Uncertain significance. Last evaluated: 2021-12-09. Review status: criteria provided, single submitter. Criteria: ACMG Guidelines, 2015. Collection method: clinical testing. Allele origin: germline.

Labcorp Genetics (formerly Invitae), Labcorp
Classification: Uncertain significance for Ectodermal dysplasia 11B, hypohidrotic/hair/tooth type, autosomal recessive; Ectodermal dysplasia 11A, hypohidrotic/hair/tooth type, autosomal dominant. Last evaluated: 2020-05-07. Review status: criteria provided, single submitter. Criteria: Invitae Variant Classification Sherloc (09022015). Collection method: clinical testing. Allele origin: germline.
Comment: This variant is present in population databases (rs757261515, ExAC 0.01%). This sequence change replaces arginine with glutamine at codon 170 of the EDARADD protein (p.Arg170Gln). The arginine residue is highly conserved and there is a small physicochemical difference between arginine and glutamine. This variant has not been reported in the literature in individuals with a EDARADD-related disease. Algorithms developed to predict the effect of missense changes on protein structure and function (SIFT, PolyPhen-2, Align-GVGD) all suggest that this variant is likely to be disruptive, but these predictions have not been confirmed by published functional studies and their clinical significance is uncertain. Algorithms developed to predict the effect of sequence changes on RNA splicing suggest that this variant may create or strengthen a splice site, but this prediction has not been confirmed by published transcriptional studies. In summary, the available evidence is currently insufficient to determine the role of this variant in disease. Therefore, it has been classified as a Variant of Uncertain Significance.

NM_145861.4(EDARADD):c.509G>A (p.Arg170Gln)

Gene: EDARADD (EDAR associated via death domain; plus strand). Cytogenetic location: 1q43.
Variant type: single nucleotide variant.
Coding change: c.509G>A on transcript NM_145861.4 (MANE Select); coding-DNA position 509, G replaced by A.
Protein change: p.Arg170Gln; replaces arginine 170 with glutamine.
Molecular consequence: missense variant.
Genome position (GRCh38, 1-based): chr1:236,482,510, G>A. VCF-style: chr1-236482510-G-A. GRCh37 (hg19) VCF-style: chr1-236645810-G-A.
Other names: c.443G>A, p.Arg148Gln (NM_001422628.1); c.479G>A, p.Arg160Gln (NM_080738.5); short protein forms R170Q, R160Q, R148Q.
Identifiers: ClinVar variation 540293 (VCV000540293.13), dbSNP rs757261515, ClinGen allele CA1470089.
Genomic context (GRCh38, chr1:236,482,510, plus strand): 5'-ATGACGAATTGTGCTTCCTGGAGCAGAGGCCACAGAGCCCCACCTTGGAGTTCTTGCTCC[G>A]GAACAGTCAGAGGACGGTGGGCCAGCTGATGGAGCTCTGCAGGCTCTACCACAGGGCCGA-3'
Protein context (NP_665860.2, residues 160-180): PQSPTLEFLL[Arg170Gln]NSQRTVGQLM